The following is an entry in ClinVar:

NM_000238.4(KCNH2):c.2362G>A (p.Glu788Lys)

Gene: KCNH2 (potassium voltage-gated channel subfamily H member 2; minus strand). Cytogenetic location: 7q36.1.
Variant type: single nucleotide variant.
Coding change: c.2362G>A on transcript NM_000238.4 (MANE Select); coding-DNA position 2362, G replaced by A.
Protein change: p.Glu788Lys; replaces glutamic acid 788 with lysine.
Molecular consequence: missense variant.
Genome position (GRCh38, 1-based): chr7:150,950,204, C>T on the plus strand (G>A on the coding strand, the complement: KCNH2 is on the minus strand). VCF-style: chr7-150950204-C-T. GRCh37 (hg19) VCF-style: chr7-150647292-C-T.
Other names: c.2362G>A (LRG_288t1); c.1342G>A, p.Glu448Lys (NM_001204798.2, NM_172057.3); c.2074G>A, p.Glu692Lys (NM_001406753.1, NM_001406756.1); c.2185G>A, p.Glu729Lys (NM_001406755.1); c.2062G>A, p.Glu688Lys (NM_001406757.1); c.2362G>A, p.Glu788Lys (NM_172056.3); short protein forms E448K, E788K, E688K, E692K, E729K.
Identifiers: ClinVar variation 67389 (VCV000067389.8), dbSNP rs199472997, ClinGen allele CA006501.

ClinVar aggregate classification (germline): Conflicting classifications of pathogenicity. Review status: criteria provided, conflicting classifications (1 of 4 stars). 3 submissions from 3 submitters: Likely pathogenic (1); Uncertain significance (1). 1 of the submissions does not count toward it. Last evaluated 2025-02-19.

Conditions:
Familial long QT syndrome (RWS). Also called: Congenital long QT syndrome; Romano-Ward syndrome; VENTRICULAR FIBRILLATION WITH PROLONGED QT INTERVAL. Identifiers: Orphanet 768, MedGen C1141890, MONDO:0019171.
Long QT syndrome (LQTS). Identifiers: MedGen C0023976, MeSH D008133, MONDO:0002442. Disease mechanism: loss of function. Inheritance: Various modes of inheritance.

Submissions (3):

Labcorp Genetics (formerly Invitae), Labcorp
Classification: Likely pathogenic for Long QT syndrome. Last evaluated: 2025-02-19. Review status: criteria provided, single submitter. Criteria: Invitae Variant Classification Sherloc (09022015). Collection method: clinical testing. Allele origin: germline.
Comment: This sequence change replaces glutamic acid, which is acidic and polar, with lysine, which is basic and polar, at codon 788 of the KCNH2 protein (p.Glu788Lys). This variant is not present in population databases (gnomAD no frequency). This missense change has been observed in individuals with long QT syndrome (LQTS), one of them also suffering from episodes of severe convulsion and seizures (PMID: 19184172, 19716085). ClinVar contains an entry for this variant (Variation ID: 67389). An algorithm developed to predict the effect of missense changes on protein structure and function (PolyPhen-2) suggests that this variant is likely to be disruptive. Experimental studies have shown that this missense change affects KCNH2 function (PMID: 25417810). In summary, the currently available evidence indicates that the variant is pathogenic, but additional data are needed to prove that conclusively. Therefore, this variant has been classified as Likely Pathogenic.

All of Us Research Program, National Institutes of Health
Classification: Uncertain significance for Long QT syndrome. Last evaluated: 2023-06-08. Review status: criteria provided, single submitter. Criteria: ACMG Guidelines, 2015. Collection method: clinical testing. Allele origin: germline. Inheritance: Autosomal dominant inheritance. Observed: 1 variant allele, 1 heterozygote.
Comment: This missense variant replaces glutamic acid with lysine at codon 788 of the KCNH2 protein. Computational prediction suggests that this variant may have deleterious impact on protein structure and function (internally defined REVEL score threshold >= 0.7, PMID: 27666373). This variant is found within a highly conserved region of the cyclic nucleotide binding domain. Rare nontruncating variants in this region (a.a.742-842) have been shown to be significantly overrepresented in individuals with long QT syndrome (PMID: 32893267). A functional study has shown that this variant causes abnormal trafficking of KCNH2 protein in transfected HEK293 cells (PMID: 25417810), which was not confirmed in another study (PMID: 26958806). This variant has been reported in several individuals affected with or suspected of having long QT syndrome including a compound heterozygous individual who had severe phenotypes (PMID: 19184172, 19716085, 20850565, 27041096,). This variant has not been identified in the general population by the Genome Aggregation Database (gnomAD). Although there is a suspicion for a pathogenic role, the available evidence is insufficient to determine the role of this variant in disease conclusively. Therefore, this variant is classified as a Variant of Uncertain Significance.

This study involves interpretation of variants in research participants for the purpose of population health screening. Participant phenotype was not available at the time of variant classification. Additional details can be found in publication PMID: 35346344, PMCID: PMC8962531

Cardiovascular Biomedical Research Unit, Royal Brompton & Harefield NHS Foundation Trust
No classification provided. Condition: Familial long QT syndrome. Review status: no classification provided. Collection method: literature only. Allele origin: germline. Not counted in ClinVar's aggregate classification.
Comment: This variant has been reported as associated with Long QT syndrome in the following publications (PMID:19184172;PMID:19716085). This is a literature report, and does not necessarily reflect the clinical interpretation of the Imperial College / Royal Brompton Cardiovascular Genetics laboratory.

Literature cited by the submitters: PubMed 19184172 (cited by 3 submitters); PubMed 19716085 (cited by 3 submitters); PubMed 25417810 (cited by Labcorp Genetics (formerly Invitae), Labcorp and All of Us Research Program, National Institutes of Health); PubMed 20850565 (cited by All of Us Research Program, National Institutes of Health); PubMed 26958806 (cited by All of Us Research Program, National Institutes of Health); PubMed 27041096 (cited by All of Us Research Program, National Institutes of Health); PubMed 32893267 (cited by All of Us Research Program, National Institutes of Health); PubMed 22581653 (cited by Cardiovascular Biomedical Research Unit, Royal Brompton & Harefield NHS Foundation Trust).